The following is an entry in ClinVar:

ClinVar aggregate classification (germline): Pathogenic/Likely pathogenic. Review status: criteria provided, multiple submitters, no conflicts (2 of 4 stars). 8 submissions from 8 submitters: Pathogenic (3); Likely pathogenic (4). 1 of the submissions does not count toward it. Last evaluated 2026-01-25.

Conditions:
Primary dilated cardiomyopathy (DCM). Also called: Dilated Cardiomyopathy. Identifiers: Orphanet 217604, MedGen C0007193, MeSH D002311, MONDO:0005021, HP:0001644. Inheritance: Various modes of inheritance.
Neuromuscular disease. Also called: Neuromuscular disorder; Neuromyopathy. Identifiers: Orphanet 68381, MedGen C0027868, MeSH D009468, MONDO:0019056.
DES-related desminopathy.
DES-related disorders.
Desmin-related myofibrillar myopathy (MFM1). Also called: Desminopathy; MYOFIBRILLAR MYOPATHY WITH ARRHYTHMOGENIC RIGHT VENTRICULAR CARDIOMYOPATHY; DESMIN-RELATED MYOPATHY WITH ARRHYTHMOGENIC RIGHT VENTRICULAR CARDIOMYOPATHY; Myofibrillar myopathy 1; Desmin related myopathy (former name); Desmin storage myopathy (former name). Identifiers: Orphanet 363543, Orphanet 98909, MedGen C1832370, MONDO:0011076, OMIM 601419.

Allele frequency attached by ClinVar (database versions not stated): gnomAD exomes below 0.00001.
gnomAD v4.1: 2 of 1,602,208 alleles (0.00012%); no homozygotes.

Submissions (8):

Labcorp Genetics (formerly Invitae), Labcorp
Classification: Pathogenic for Desmin-related myofibrillar myopathy. Last evaluated: 2026-01-25. Review status: criteria provided, single submitter. Criteria: Invitae Variant Classification Sherloc (09022015). Collection method: clinical testing. Allele origin: germline.
Comment: This sequence change replaces serine, which is neutral and polar, with phenylalanine, which is neutral and non-polar, at codon 12 of the DES protein (p.Ser12Phe). This variant is not present in population databases (gnomAD no frequency). This missense change has been observed in individual(s) with clinical features consistent with DES-related conditions and desminopathy (PMID: 20696008; internal data). In at least one individual the variant was observed to be de novo. It has also been observed to segregate with disease in related individuals. ClinVar contains an entry for this variant (Variation ID: 66412). Invitae Evidence Modeling of protein sequence and biophysical properties (such as structural, functional, and spatial information, amino acid conservation, physicochemical variation, residue mobility, and thermodynamic stability) indicates that this missense variant is expected to disrupt DES protein function with a positive predictive value of 95%. Experimental studies have shown that this missense change affects DES function (PMID: 20696008). For these reasons, this variant has been classified as Pathogenic.

Rady Children's Institute for Genomic Medicine, Rady Children's Hospital San Diego
Classification: Likely pathogenic for DES-related desminopathy. Last evaluated: 2025-10-03. Review status: criteria provided, single submitter. Criteria: ACMG Guidelines, 2015. Collection method: clinical testing. Allele origin: germline. Affected: yes.
Comment: The c.35C>T (p.Ser12Phe) variant affects a highly conserved amino acid and is predicted by multiple in silico tools to have a deleterious effect on protein function. This variant has been previously reported as a heterozygous change in one family with proximal skeletal myopathy that progressed to cardiac conduction defects, and has been reported in individuals from the UK biobank who were reported to have ARVC or DCM (PMID: 20696008, 36264615). Furthermore, the variant has been shown to segregate with the disease phenotype in one family (PMID: 20696008). The c.35C>T (p.Ser12Phe) variant is located in a highly conserved SSYRRTFGG motif of the head domain, which is a known hotspot domain for pathogenic variation (PMID: 20696008, 38607042). Functional studies demonstrated that the c.35C>T (p.Ser12Phe) variant induced the formation of protein aggregates and altered mitochondrial function (PMID: 20696008, 32105824). The c.35C>T (p.Ser12Phe) variant is present in the latest version of the gnomAD population database at an allele frequency of 0.0001% (2/1602208) and thus is presumed to be rare. Based on the available evidence, c.35C>T (p.Ser12Phe) is classified as Likely Pathogenic.

Laboratory of Medical Genetics, National & Kapodistrian University of Athens
Classification: Pathogenic for Desmin-related myofibrillar myopathy. Last evaluated: 2024-01-03. Review status: criteria provided, single submitter. Criteria: ACMG Guidelines, 2015. Collection method: clinical testing. Allele origin: germline. Affected: yes.
Comment: PM1, PM2, PP2, PP3, PP5 - Low frequency in gnomAD population databases. Low frequency in gnomAD population databases. This variant has been previously reported as causative for desminopathy. (PMID:23143191).

Revvity Omics, Revvity
Classification: Pathogenic. Last evaluated: 2022-05-05. Review status: criteria provided, single submitter. Criteria: ACMG Guidelines, 2015. Collection method: clinical testing. Allele origin: germline.

Blueprint Genetics
Classification: Likely pathogenic for DES-related disorders. Last evaluated: 2020-11-10. Review status: criteria provided, single submitter. Criteria: ACMG Guidelines, 2015. Collection method: clinical testing. Allele origin: germline. Affected: yes. Observed: 1 variant allele.

Eurofins Ntd Llc (ga)
Classification: Likely pathogenic. Last evaluated: 2016-06-30. Review status: criteria provided, single submitter. Criteria: EGL Classification Definitions 2015. Collection method: clinical testing. Allele origin: germline. Observed: 1 variant allele, 1 heterozygote.

Laboratory for Molecular Medicine, Mass General Brigham Personalized Medicine
Classification: Likely pathogenic for Primary dilated cardiomyopathy; Neuromuscular disease. Last evaluated: 2010-11-03. Review status: criteria provided, single submitter. Criteria: LMM Criteria. Collection method: clinical testing. Allele origin: germline. Observed: 1 variant allele.
Comment: The variant was absent from 200 race ma tched control chromosomes and caused abnormal desmin fiber aggregates in the cyt oplasm, supporting a pathogenic role (Hong 2010). In addition, serine (Ser) at position 12 is conserved across evolutionary distant species, further increasing the likelihood that the change is pathogenic. Finally, this individual has cli nical features consistent with a variant in desmin. In summary, it is highly li kely that this variant pathogenic.

Epithelial Biology;  Institute of Medical Biology, Singapore
No classification provided. Review status: no classification provided. Collection method: not provided. Allele origin: not provided. Not counted in ClinVar's aggregate classification.

Literature cited by the submitters: PubMed 20696008 (cited by 3 submitters); PubMed 32105824 (cited by Rady Children's Institute for Genomic Medicine, Rady Children's Hospital San Diego); PubMed 36264615 (cited by Rady Children's Institute for Genomic Medicine, Rady Children's Hospital San Diego); PubMed 38607042 (cited by Rady Children's Institute for Genomic Medicine, Rady Children's Hospital San Diego).

NM_001927.4(DES):c.35C>T (p.Ser12Phe)

Gene: DES (desmin; plus strand). Cytogenetic location: 2q35.
Variant type: single nucleotide variant.
Coding change: c.35C>T on transcript NM_001927.4 (MANE Select); coding-DNA position 35, C replaced by T.
Protein change: p.Ser12Phe; replaces serine 12 with phenylalanine.
Molecular consequence: missense variant.
Genome position (GRCh38, 1-based): chr2:219,418,497, C>T. VCF-style: chr2-219418497-C-T. GRCh37 (hg19) VCF-style: chr2-220283219-C-T.
Other names: short protein forms S12F.
Identifiers: ClinVar variation 66412 (VCV000066412.24), dbSNP rs267607495, ClinGen allele CA217069.
Genomic context (GRCh38, chr2:219,418,497, plus strand): 5'-CCGCCAGCCTCGCCCGCGCCGTCACCATGAGCCAGGCCTACTCGTCCAGCCAGCGCGTGT[C>T]CTCCTACCGCCGCACCTTCGGCGGGGCCCCGGGCTTCCCACTCGGCTCCCCGCTGAGTTC-3'
Protein context (NP_001918.3, residues 2-22): SQAYSSSQRV[Ser12Phe]SYRRTFGGAP